The following is an entry in ClinVar:

ClinVar aggregate classification (germline): Uncertain significance. Review status: criteria provided, multiple submitters, no conflicts (2 of 4 stars). 2 submissions from 2 submitters: Uncertain significance (2). Last evaluated 2024-09-23.

Conditions:
Cardiovascular phenotype. Identifiers: MedGen CN230736.
Hereditary cancer-predisposing syndrome. Also called: Neoplastic Syndromes, Hereditary; Tumor predisposition; Hereditary Cancer Syndrome; Hereditary neoplastic syndrome. Identifiers: Orphanet 140162, MedGen C0027672, MeSH D009386, MONDO:0015356.

Submissions (2):

Labcorp Genetics (formerly Invitae), Labcorp
Classification: Uncertain significance. Last evaluated: 2024-09-23. Review status: criteria provided, single submitter. Criteria: Invitae Variant Classification Sherloc (09022015). Collection method: clinical testing. Allele origin: germline.
Comment: This sequence change replaces glutamic acid, which is acidic and polar, with aspartic acid, which is acidic and polar, at codon 223 of the LZTR1 protein (p.Glu223Asp). This variant is not present in population databases (gnomAD no frequency). This variant has not been reported in the literature in individuals affected with LZTR1-related conditions. ClinVar contains an entry for this variant (Variation ID: 1754958). Invitae Evidence Modeling of protein sequence and biophysical properties (such as structural, functional, and spatial information, amino acid conservation, physicochemical variation, residue mobility, and thermodynamic stability) indicates that this missense variant is not expected to disrupt LZTR1 protein function with a negative predictive value of 80%. In summary, the available evidence is currently insufficient to determine the role of this variant in disease. Therefore, it has been classified as a Variant of Uncertain Significance.

Ambry Genetics
Classification: Uncertain significance for Cardiovascular phenotype; Hereditary cancer-predisposing syndrome. Last evaluated: 2022-05-09. Review status: criteria provided, single submitter. Criteria: Ambry Variant Classification Scheme 2023. Collection method: clinical testing. Allele origin: germline.
Comment: The p.E223D variant (also known as c.669G>C), located in coding exon 8 of the LZTR1 gene, results from a G to C substitution at nucleotide position 669. The glutamic acid at codon 223 is replaced by aspartic acid, an amino acid with highly similar properties. This amino acid position is conserved. In addition, this alteration is predicted to be tolerated by in silico analysis. Since supporting evidence is limited at this time, the clinical significance of this alteration remains unclear.

NM_006767.4(LZTR1):c.669G>C (p.Glu223Asp)

Gene: LZTR1 (leucine zipper like post translational regulator 1; plus strand). Cytogenetic location: 22q11.21.
Variant type: single nucleotide variant.
Coding change: c.669G>C on transcript NM_006767.4 (MANE Select); coding-DNA position 669, G replaced by C.
Protein change: p.Glu223Asp; replaces glutamic acid 223 with aspartic acid.
Molecular consequence: missense variant.
Genome position (GRCh38, 1-based): chr22:20,990,403, G>C. VCF-style: chr22-20990403-G-C. GRCh37 (hg19) VCF-style: chr22-21344692-G-C.
Other names: short protein forms E223D.
Identifiers: ClinVar variation 1754958 (VCV001754958.4), dbSNP rs2518615670, ClinGen allele CA410780443.